The following is an entry in ClinVar:

NM_182961.4(SYNE1):c.5421+292C>T

Gene: SYNE1 (spectrin repeat containing nuclear envelope protein 1; minus strand). Cytogenetic location: 6q25.2.
Variant type: single nucleotide variant.
Coding change: c.5421+292C>T on transcript NM_182961.4 (MANE Select); 292 bases into the intron after coding-DNA position 5421, C replaced by T.
Molecular consequence: intron variant.
Genome position (GRCh38, 1-based): chr6:152,419,277, G>A on the plus strand (C>T on the coding strand, the complement: SYNE1 is on the minus strand). VCF-style: chr6-152419277-G-A. GRCh37 (hg19) VCF-style: chr6-152740412-G-A.
Other names: c.5442+292C>T (NM_033071.5).
Identifiers: ClinVar variation 674279 (VCV000674279.1), dbSNP rs112225376, ClinGen allele CA150209209.

ClinVar aggregate classification (germline): Likely benign (1 of 4 stars; one submission).

Allele frequency attached by ClinVar (database versions not stated): 1000 Genomes Project 0.01478; 1000 Genomes Project 30x 0.01499; TOPMed 0.02323; gnomAD 0.02410 and 0.02427.
gnomAD v4.1: 3,699 of 152,204 alleles (2.4%); highest among the groups gnomAD compares: Middle Eastern, 6.1%; 62 homozygotes.

Submission:

GeneDx
Classification: Likely benign. Last evaluated: 2018-06-19. Review status: criteria provided, single submitter. Criteria: GeneDx Variant Classification (06012015). Collection method: clinical testing. Allele origin: germline. Affected: yes.
Comment: This variant is considered likely benign or benign based on one or more of the following criteria: it is a conservative change, it occurs at a poorly conserved position in the protein, it is predicted to be benign by multiple in silico algorithms, and/or has population frequency not consistent with disease.